The following is an entry in ClinVar:

NM_020184.4(CNNM4):c.943C>T (p.Pro315Ser)

Gene: CNNM4 (cyclin and CBS domain divalent metal cation transport mediator 4; plus strand). Cytogenetic location: 2q11.2.
Variant type: single nucleotide variant.
Coding change: c.943C>T on transcript NM_020184.4 (MANE Select); coding-DNA position 943, C replaced by T.
Protein change: p.Pro315Ser; replaces proline 315 with serine.
Molecular consequence: missense variant.
Genome position (GRCh38, 1-based): chr2:96,761,942, C>T. VCF-style: chr2-96761942-C-T. GRCh37 (hg19) VCF-style: chr2-97427679-C-T.
Other names: short protein forms P315S.
Identifiers: ClinVar variation 1475378 (VCV001475378.4), dbSNP rs1445089135, ClinGen allele CA347715528.

ClinVar aggregate classification (germline): Uncertain significance (1 of 4 stars; one submission).

Allele frequency attached by ClinVar (database versions not stated): gnomAD 0.00001 and 0.00002; TOPMed 0.00001.
gnomAD v4.1: 2 of 1,614,068 alleles (0.00012%); highest among the groups gnomAD compares: African/African-American, 0.0027%; no homozygotes.

Submission:

Labcorp Genetics (formerly Invitae), Labcorp
Classification: Uncertain significance. Last evaluated: 2021-10-22. Review status: criteria provided, single submitter. Criteria: Invitae Variant Classification Sherloc (09022015). Collection method: clinical testing. Allele origin: germline.
Comment: In summary, the available evidence is currently insufficient to determine the role of this variant in disease. Therefore, it has been classified as a Variant of Uncertain Significance. Algorithms developed to predict the effect of missense changes on protein structure and function (SIFT, PolyPhen-2, Align-GVGD) all suggest that this variant is likely to be disruptive. This variant has not been reported in the literature in individuals affected with CNNM4-related conditions. This variant is not present in population databases (ExAC no frequency). This sequence change replaces proline with serine at codon 315 of the CNNM4 protein (p.Pro315Ser). The proline residue is highly conserved and there is a moderate physicochemical difference between proline and serine.